The following is an entry in ClinVar:

NM_144666.3(DNHD1):c.6618G>A (p.Gly2206=)

Gene: DNHD1 (dynein heavy chain domain 1; plus strand). Cytogenetic location: 11p15.4.
Variant type: single nucleotide variant.
Coding change: c.6618G>A on transcript NM_144666.3 (MANE Select); coding-DNA position 6618, G replaced by A.
Protein change: p.Gly2206=; no amino-acid change (glycine 2206 retained).
Molecular consequence: synonymous variant.
Genome position (GRCh38, 1-based): chr11:6,547,557, G>A. VCF-style: chr11-6547557-G-A. GRCh37 (hg19) VCF-style: chr11-6568787-G-A.
Identifiers: ClinVar variation 773652 (VCV000773652.30), dbSNP rs140681479, ClinGen allele CA5856150.

ClinVar aggregate classification (germline): Likely benign. Review status: criteria provided, multiple submitters, no conflicts (2 of 4 stars). 4 submissions from 4 submitters: Likely benign (3). 1 of the submissions does not count toward it. Last evaluated 2023-01-01.

Conditions:
DNHD1-related disorder. Also called: DNHD1-related condition.

Allele frequency attached by ClinVar (database versions not stated): 1000 Genomes Project 30x 0.00031; ExAC 0.00047; gnomAD 0.00064 and 0.00065; TOPMed 0.00069.
gnomAD v4.1: 1,674 of 1,550,970 alleles (0.11%); highest among the groups gnomAD compares: Non-Finnish European, 0.14%; 1 homozygote.

Submissions (4):

CeGaT Center for Human Genetics Tuebingen
Classification: Likely benign. Last evaluated: 2023-01-01. Review status: criteria provided, single submitter. Criteria: CeGaT Center For Human Genetics Tuebingen Variant Classification Criteria Version 2. Collection method: clinical testing. Allele origin: germline. Affected: yes. Observed: 1 variant allele.
Comment: DNHD1: BP4, BP7

Labcorp Genetics (formerly Invitae), Labcorp
Classification: Likely benign. Last evaluated: 2019-12-31. Review status: criteria provided, single submitter. Criteria: Invitae Variant Classification Sherloc (09022015). Collection method: clinical testing. Allele origin: germline.

Breakthrough Genomics
Classification: Likely benign. Review status: criteria provided, single submitter. Criteria: ACMG Guidelines, 2015. Collection method: not provided. Allele origin: germline. Inheritance: Autosomal recessive inheritance. Affected: yes.

PreventionGenetics, part of Exact Sciences
Classification: Likely benign for DNHD1-related condition. Last evaluated: 2019-06-07. Review status: no assertion criteria provided. Collection method: clinical testing. Allele origin: germline. Not counted in ClinVar's aggregate classification.
Comment: This variant is classified as likely benign based on ACMG/AMP sequence variant interpretation guidelines (Richards et al. 2015 PMID: 25741868, with internal and published modifications).